The following is an entry in ClinVar:

ClinVar aggregate classification (germline): Conflicting classifications of pathogenicity. Review status: criteria provided, conflicting classifications (1 of 4 stars). 4 submissions from 4 submitters: Uncertain significance (2); Likely benign (1). 1 of the submissions does not count toward it. Last evaluated 2025-11-16.

Conditions:
Hereditary cancer-predisposing syndrome. Also called: Tumor predisposition; Hereditary neoplastic syndrome; Neoplastic Syndromes, Hereditary; Hereditary Cancer Syndrome. Identifiers: Orphanet 140162, MedGen C0027672, MeSH D009386, MONDO:0015356.
Rhabdoid tumor predisposition syndrome 2 (RTPS2). Identifiers: Orphanet 231108, Orphanet 69077, MedGen C2750074, MONDO:0013224, OMIM 613325.

Allele frequency attached by ClinVar (database versions not stated): TOPMed below 0.00001; ExAC 0.00001; gnomAD 0.00001; gnomAD exomes 0.00001.
gnomAD v4.1: 10 of 1,601,070 alleles (0.00062%); highest among the groups gnomAD compares: Non-Finnish European, 0.00077%; no homozygotes.

Submissions (4):

Labcorp Genetics (formerly Invitae), Labcorp
Classification: Uncertain significance for Rhabdoid tumor predisposition syndrome 2. Last evaluated: 2025-11-16. Review status: criteria provided, single submitter. Criteria: Invitae Variant Classification Sherloc (09022015). Collection method: clinical testing. Allele origin: germline.
Comment: This sequence change replaces arginine, which is basic and polar, with cysteine, which is neutral and slightly polar, at codon 1406 of the SMARCA4 protein (p.Arg1406Cys). This variant is present in population databases (rs587778686, gnomAD 0.003%). This variant has not been reported in the literature in individuals affected with SMARCA4-related conditions. ClinVar contains an entry for this variant (Variation ID: 135255). An algorithm developed to predict the effect of missense changes on protein structure and function (PolyPhen-2) suggests that this variant is likely to be tolerated. RNA analysis performed to evaluate the impact of this missense change on mRNA splicing indicates it does not significantly alter splicing (internal data). In summary, the available evidence is currently insufficient to determine the role of this variant in disease. Therefore, it has been classified as a Variant of Uncertain Significance.

Sema4
Classification: Uncertain significance for Hereditary cancer-predisposing syndrome. Last evaluated: 2021-11-22. Review status: criteria provided, single submitter. Criteria: Sema4 Curation Guidelines. Collection method: curation. Allele origin: germline.
Comment: To the best of our knowledge, the SMARCA4 c.4216C>T (p.R1406C) variant has not been reported in individuals with SMARCA4-related disease. It was observed in 3/105064 chromosomes of the Non-Finnish European subpopulation in the large and broad cohorts of the Genome Aggregation Database (PMID: 32461654). The variant has been reported in ClinVar (Variation ID: 135255). Functional studies have not been performed, and in silico predictions of the variant's effect on protein function are inconclusive. The evidence is insufficient to meet ACMG/AMP criteria for classifying the variant as benign or pathogenic. Thus, the clinical significance of this variant is currently uncertain.

Ambry Genetics
Classification: Likely benign for Hereditary cancer-predisposing syndrome. Last evaluated: 2021-04-22. Review status: criteria provided, single submitter. Criteria: Ambry Variant Classification Scheme 2023. Collection method: clinical testing. Allele origin: germline.

ITMI
No classification provided. Condition: AllHighlyPenetrant. Last evaluated: 2013-09-19. Review status: no classification provided. Collection method: reference population. Allele origin: germline. Not counted in ClinVar's aggregate classification.
Comment: Please see associated publication for description of ethnicities

Literature cited by the submitters: PubMed 24728327 (cited by ITMI).

NM_001387283.1(SMARCA4):c.4216C>T (p.Arg1406Cys)

Gene: SMARCA4 (SWI/SNF related BAF chromatin remodeling complex subunit ATPase 4; plus strand). Cytogenetic location: 19p13.2.
Variant type: single nucleotide variant.
Coding change: c.4216C>T on transcript NM_001387283.1 (MANE Plus Clinical); coding-DNA position 4216, C replaced by T.
Protein change: p.Arg1406Cys; replaces arginine 1406 with cysteine.
Molecular consequence: missense variant. On other transcripts: intron variant (7).
Genome position (GRCh38, 1-based): chr19:11,039,503, C>T. VCF-style: chr19-11039503-C-T. GRCh37 (hg19) VCF-style: chr19-11150179-C-T.
Other names: c.4216C>T, p.Arg1406Cys (NM_001128849.3); c.4171-1804C>T (NM_001128844.3, NM_003072.5); c.4072-1804C>T (NM_001128847.4, NM_001374457.1, NM_001128848.2); c.4072-1795C>T (NM_001128845.2, NM_001128846.2); short protein forms R1406C.
Identifiers: ClinVar variation 135255 (VCV000135255.15), dbSNP rs587778686, ClinGen allele CA162155.